The following is an entry in ClinVar:

NM_016592.5(GNAS):c.269del (p.Glu90fs)

Genes: GNAS (GNAS complex locus; plus strand), GNAS-AS1 (GNAS antisense RNA 1; minus strand). Cytogenetic location: 20q13.32.
Variant type: Deletion.
Coding change: c.269del on transcript NM_016592.5 (MANE Plus Clinical); coding-DNA position 269, one base deleted (A; older notation c.269delA).
Protein change: p.Glu90fs; shifts the reading frame from glutamic acid 90.
Molecular consequence: frameshift variant. On other transcripts: 5 prime UTR variant (1).
Genome position (GRCh38, 1-based): chr20:58,840,375, A deleted. VCF-style (leftmost placement, unchanged base first): chr20-58840374-GA-G. GRCh37 (hg19) VCF-style: chr20-57415429-GA-G.
Other names: c.-469del (NM_001410912.1); short protein forms E90fs.
Identifiers: ClinVar variation 3774091 (VCV003774091.1).

ClinVar aggregate classification (germline): Uncertain significance (1 of 4 stars; one submission).

Submission:

GeneDx
Classification: Uncertain significance. Last evaluated: 2024-09-21. Review status: criteria provided, single submitter. Criteria: GeneDx Variant Classification Process June 2021. Collection method: clinical testing. Allele origin: germline. Affected: yes.
Comment: Not observed at significant frequency in large population cohorts (gnomAD); Frameshift variant predicted to result in abnormal protein length as the last 156 amino acid(s) are replaced with 11 different amino acid(s); Has not been previously published as pathogenic or benign to our knowledge